The following is an entry in ClinVar:

ClinVar aggregate classification (germline): Uncertain significance (1 of 4 stars; one submission).

gnomAD v4.1: 7 of 1,613,972 alleles (0.00043%); highest among the groups gnomAD compares: African/African-American, 0.0013%; no homozygotes.

Submission:

Labcorp Genetics (formerly Invitae), Labcorp
Classification: Uncertain significance. Last evaluated: 2024-03-23. Review status: criteria provided, single submitter. Criteria: Invitae Variant Classification Sherloc (09022015). Collection method: clinical testing. Allele origin: germline.
Comment: This sequence change replaces aspartic acid, which is acidic and polar, with valine, which is neutral and non-polar, at codon 1970 of the DMXL2 protein (p.Asp1970Val). This variant is present in population databases (no rsID available, gnomAD 0.007%). This variant has not been reported in the literature in individuals affected with DMXL2-related conditions. ClinVar contains an entry for this variant (Variation ID: 1963949). Algorithms developed to predict the effect of missense changes on protein structure and function output the following: SIFT: "Not Available"; PolyPhen-2: "Benign"; Align-GVGD: "Not Available". The valine amino acid residue is found in multiple mammalian species, which suggests that this missense change does not adversely affect protein function. In summary, the available evidence is currently insufficient to determine the role of this variant in disease. Therefore, it has been classified as a Variant of Uncertain Significance.

NM_001378457.1(DMXL2):c.5909A>T (p.Asp1970Val)

Gene: DMXL2 (Dmx like 2; minus strand). Cytogenetic location: 15q21.2.
Variant type: single nucleotide variant.
Coding change: c.5909A>T on transcript NM_001378457.1 (MANE Select); coding-DNA position 5909, A replaced by T.
Protein change: p.Asp1970Val; replaces aspartic acid 1970 with valine.
Molecular consequence: missense variant. On other transcripts: non-coding transcript variant (2).
Genome position (GRCh38, 1-based): chr15:51,481,197, T>A on the plus strand (A>T on the coding strand, the complement: DMXL2 is on the minus strand). VCF-style: chr15-51481197-T-A. GRCh37 (hg19) VCF-style: chr15-51773394-T-A.
Other names: c.5909A>T, p.Asp1970Val (NM_001174116.3, NM_001378458.1, NM_001378459.1 and 4 more transcripts); c.4001A>T, p.Asp1334Val (NM_001174117.3); c.3890A>T, p.Asp1297Val (NM_001378460.1); c.5669A>T, p.Asp1890Val (NM_001378464.1); short protein forms D1297V, D1890V, D1334V, D1970V.
Identifiers: ClinVar variation 1963949 (VCV001963949.5), dbSNP rs958006338, ClinGen allele CA392444804.